The following is an entry in ClinVar:

NM_017763.6(RNF43):c.1237G>A (p.Ala413Thr)

Gene: RNF43 (ring finger protein 43; minus strand). Cytogenetic location: 17q22.
Variant type: single nucleotide variant.
Coding change: c.1237G>A on transcript NM_017763.6 (MANE Select); coding-DNA position 1237, G replaced by A.
Protein change: p.Ala413Thr; replaces alanine 413 with threonine.
Molecular consequence: missense variant.
Genome position (GRCh38, 1-based): chr17:58,358,539, C>T on the plus strand (G>A on the coding strand, the complement: RNF43 is on the minus strand). VCF-style: chr17-58358539-C-T. GRCh37 (hg19) VCF-style: chr17-56435900-C-T.
Other names: c.1237G>A, p.Ala413Thr (NM_001305544.3); c.856G>A, p.Ala286Thr (NM_001305545.2); short protein forms A286T, A413T.
Identifiers: ClinVar variation 3946861 (VCV003946861.1).
Genomic context (GRCh38, chr17:58,358,539, plus strand): 5'-CTGGGCAAGCAGCAGGGTGCTGTGAGGTGGATTGGAGGTGGCTCAGTCCCCAGCCTTGTG[C>T]ATAGGGGTGCTGGGCTCCTGCCAGGCGCTGCTGCTCTCCTGGAGCCCGGGGATGTGCAGC-3'
Protein context (NP_060233.3, residues 403-423): QRLAGAQHPY[Ala413Thr]QGWGLSHLQS

ClinVar aggregate classification (germline): Uncertain significance (1 of 4 stars; one submission).

Submission:

Ambry Genetics
Classification: Uncertain significance. Last evaluated: 2025-04-18. Review status: criteria provided, single submitter. Criteria: Ambry Variant Classification Scheme 2023. Collection method: clinical testing. Allele origin: germline.
Comment: The p.A413T variant (also known as c.1237G>A), located in coding exon 8 of the RNF43 gene, results from a G to A substitution at nucleotide position 1237. The alanine at codon 413 is replaced by threonine, an amino acid with similar properties. This amino acid position is conserved. In addition, this alteration is predicted to be tolerated by in silico analysis. Based on the available evidence, the clinical significance of this variant remains unclear.